The following is an entry in ClinVar:

ClinVar aggregate classification (germline): Uncertain significance. Review status: criteria provided, multiple submitters, no conflicts (2 of 4 stars). 2 submissions from 2 submitters: Uncertain significance (2). Last evaluated 2025-09-17.

Conditions:
POLD1-related polyposis and colorectal cancer syndrome (CRCS10). Also called: Colorectal cancer, susceptibility to, 10; Colorectal cancer 10; COLORECTAL CANCER, SUSCEPTIBILITY TO, ON CHROMOSOME 19q. Identifiers: Orphanet 220460, MedGen C2675481, MONDO:0012953, OMIM 612591.
Hereditary cancer-predisposing syndrome. Also called: Tumor predisposition; Hereditary Cancer Syndrome; Hereditary neoplastic syndrome; Neoplastic Syndromes, Hereditary. Identifiers: Orphanet 140162, MedGen C0027672, MeSH D009386, MONDO:0015356.

Submissions (2):

Ambry Genetics
Classification: Uncertain significance for Hereditary cancer-predisposing syndrome. Last evaluated: 2025-09-17. Review status: criteria provided, single submitter. Criteria: Ambry Variant Classification Scheme 2023. Collection method: clinical testing. Allele origin: germline.
Comment: The c.1055_1056delGC variant, located in coding exon 8 of the POLD1 gene, results from a deletion of two nucleotides at nucleotide positions 1055 to 1056, causing a translational frameshift with a predicted alternate stop codon (p.R352Pfs*282). This alteration is expected to result in protein truncation or nonsense-mediated mRNA decay. However, loss of function has not been established as a mechanism of disease. Based on the available evidence, the clinical significance of this alteration remains unclear.

Labcorp Genetics (formerly Invitae), Labcorp
Classification: Uncertain significance for POLD1-related polyposis and colorectal cancer syndrome. Last evaluated: 2025-04-30. Review status: criteria provided, single submitter. Criteria: Invitae Variant Classification Sherloc (09022015). Collection method: clinical testing. Allele origin: germline.
Comment: This sequence change creates a premature translational stop signal (p.Arg352Profs*282) in the POLD1 gene. Missense variants that disrupt the 3'-5' exonuclease (proof-reading) activity of the POLD1 protein are associated with PPAP (polymerase proofreading–associated polyposis) (PMID: 23263490, 23447401). However, loss-of-function variants that result in an absent or severely disrupted POLD1 protein, and missense variants outside the exonuclease domain, are unlikely to be associated with PPAP. This variant is not present in population databases (gnomAD no frequency). This variant has not been reported in the literature in individuals affected with POLD1-related conditions. ClinVar contains an entry for this variant (Variation ID: 1394421). In summary, the available evidence is currently insufficient to determine the role of this variant in disease. Therefore, it has been classified as a Variant of Uncertain Significance.

Literature cited by the submitters: PubMed 23263490 (cited by Labcorp Genetics (formerly Invitae), Labcorp); PubMed 23447401 (cited by Labcorp Genetics (formerly Invitae), Labcorp).

NM_002691.4(POLD1):c.1055_1056del (p.Arg352fs)

Gene: POLD1 (DNA polymerase delta 1, catalytic subunit; plus strand). Cytogenetic location: 19q13.33.
Variant type: Deletion.
Coding change: c.1055_1056del on transcript NM_002691.4 (MANE Select); coding-DNA positions 1055 to 1056, 2 bases deleted (GC; older notation c.1055_1056delGC).
Protein change: p.Arg352fs; shifts the reading frame from arginine 352.
Molecular consequence: frameshift variant. On other transcripts: non-coding transcript variant (1).
Genome position (GRCh38, 1-based): chr19:50,403,137-50,403,138, GC deleted; deleting any 2 consecutive bases within chr19:50,403,136-50,403,138 gives the same sequence; the c. name uses the placement nearest the transcript's 3' end. VCF-style (leftmost placement, unchanged base first): chr19-50403135-ACG-A. GRCh37 (hg19) VCF-style: chr19-50906392-ACG-A.
Other names: c.1055_1056del, p.Arg352fs (NM_001256849.1, NM_001308632.1); c.1055_1056delGC (NM_002691.2); short protein forms R352fs.
Identifiers: ClinVar variation 1394421 (VCV001394421.8), dbSNP rs2122269999, ClinGen allele CA2573156568.